The following is an entry in ClinVar:

NM_000051.4(ATM):c.2707T>G (p.Phe903Val)

Gene: ATM (ATM serine/threonine kinase; plus strand). Cytogenetic location: 11q22.3.
Variant type: single nucleotide variant.
Coding change: c.2707T>G on transcript NM_000051.4 (MANE Select); coding-DNA position 2707, T replaced by G.
Protein change: p.Phe903Val; replaces phenylalanine 903 with valine.
Molecular consequence: missense variant.
Genome position (GRCh38, 1-based): chr11:108,268,478, T>G. VCF-style: chr11-108268478-T-G. GRCh37 (hg19) VCF-style: chr11-108139205-T-G.
Other names: c.2707T>G, p.Phe903Val (NM_001351834.2); short protein forms F903V.
Identifiers: ClinVar variation 3656372 (VCV003656372.2).

ClinVar aggregate classification (germline): Uncertain significance (1 of 4 stars; one submission).

Conditions:
Ataxia-telangiectasia syndrome (AT). Also called: LOUIS-BAR SYNDROME; Cerebello-oculocutaneous telangiectasia; Immunodeficiency with ataxia telangiectasia; ATAXIA-TELANGIECTASIA, COMPLEMENTATION GROUP A; ATAXIA-TELANGIECTASIA, FRESNO VARIANT; Ataxia-telangiectasia, complementation group D. Identifiers: Orphanet 100, MedGen C0004135, MONDO:0008840, OMIM 208900.

Submission:

Labcorp Genetics (formerly Invitae), Labcorp
Classification: Uncertain significance for Ataxia-telangiectasia syndrome. Last evaluated: 2024-06-18. Review status: criteria provided, single submitter. Criteria: Invitae Variant Classification Sherloc (09022015). Collection method: clinical testing. Allele origin: germline.
Comment: This sequence change replaces phenylalanine, which is neutral and non-polar, with valine, which is neutral and non-polar, at codon 903 of the ATM protein (p.Phe903Val). This variant is not present in population databases (gnomAD no frequency). This variant has not been reported in the literature in individuals affected with ATM-related conditions. An algorithm developed to predict the effect of missense changes on protein structure and function (PolyPhen-2) suggests that this variant is likely to be disruptive. In summary, the available evidence is currently insufficient to determine the role of this variant in disease. Therefore, it has been classified as a Variant of Uncertain Significance.